The following is an entry in ClinVar:

ClinVar aggregate classification (germline): Uncertain significance (1 of 4 stars; one submission).

Submission:

GeneDx
Classification: Uncertain significance. Last evaluated: 2022-06-02. Review status: criteria provided, single submitter. Criteria: GeneDx Variant Classification Process June 2021. Collection method: clinical testing. Allele origin: germline. Affected: yes.
Comment: Not observed at significant frequency in large population cohorts (gnomAD); In silico analysis supports that this missense variant has a deleterious effect on protein structure/function; Has not been previously published as pathogenic or benign to our knowledge

NM_006914.4(RORB):c.1199A>G (p.His400Arg)

Gene: RORB (RAR related orphan receptor B; plus strand). Cytogenetic location: 9q21.13.
Variant type: single nucleotide variant.
Coding change: c.1199A>G on transcript NM_006914.4 (MANE Select); coding-DNA position 1199, A replaced by G.
Protein change: p.His400Arg; replaces histidine 400 with arginine.
Molecular consequence: missense variant.
Genome position (GRCh38, 1-based): chr9:74,671,876, A>G. VCF-style: chr9-74671876-A-G. GRCh37 (hg19) VCF-style: chr9-77286792-A-G.
Other names: c.1232A>G, p.His411Arg (NM_001365023.1); short protein forms H400R, H411R.
Identifiers: ClinVar variation 1801869 (VCV001801869.1), dbSNP rs2489648773, ClinGen allele CA373771792.